The following is an entry in ClinVar:

ClinVar aggregate classification (germline): Pathogenic (1 of 4 stars; one submission).

Conditions:
VPS13A-related neurodegenerative disease. Also called: ACANTHOCYTOSIS WITH NEUROLOGIC DISORDER; LEVINE-CRITCHLEY SYNDROME; Choreoacanthocytosis; Chorea-acanthocytosis; Choreaacanthocytosis; VPS13A Disease. Identifiers: Orphanet 2388, MedGen C0393576, MONDO:0008695, OMIM 200150.

Submission:

Myriad Genetics, Inc.
Classification: Pathogenic for VPS13A-related neurodegenerative disease. Last evaluated: 2024-05-14. Review status: criteria provided, single submitter. Criteria: Myriad Autosomal Dominant, Autosomal Recessive and X-Linked Classification Criteria (2023). Collection method: clinical testing. Allele origin: unknown.
Comment: NM_033305.2(VPS13A):c.67dupG(D23Gfs*22) is expected to be pathogenic in the context of VPS13A disease. This variant is predicted to lead to an abnormal or absent protein product due to the creation of a premature termination codon in VPS13A, a gene where loss-of-function variants are known to be pathogenic. Please note: this variant was assessed in the context of healthy population screening.

NM_033305.3(VPS13A):c.67dup (p.Asp23fs)

Genes: VPS13A-AS1 (VPS13A antisense RNA 1; minus strand), VPS13A (vacuolar protein sorting 13 homolog A; plus strand). Cytogenetic location: 9q21.2.
Variant type: Duplication.
Coding change: c.67dup on transcript NM_033305.3 (MANE Select); coding-DNA position 67, one base duplicated (G; older notation c.67dupG).
Protein change: p.Asp23fs; shifts the reading frame from aspartic acid 23.
Molecular consequence: frameshift variant. On other transcripts: non-coding transcript variant (1).
Genome position (GRCh38, 1-based): chr9:77,177,771, G duplicated; the last of 2 consecutive G bases (chr9:77,177,770-77,177,771); duplicating either gives the same sequence. VCF-style (leftmost placement, unchanged base first): chr9-77177769-T-TG. GRCh37 (hg19) VCF-style: chr9-79792685-T-TG.
Other names: c.67dup, p.Asp23fs (NM_001018037.2, NM_001018038.3, NM_015186.4); short protein forms D23fs.
Identifiers: ClinVar variation 5015697 (VCV005015697.1).